The following is an entry in ClinVar:

ClinVar aggregate classification (germline): Uncertain significance (1 of 4 stars; one submission).

Conditions:
Cardiovascular phenotype. Identifiers: MedGen CN230736.

Submission:

Ambry Genetics
Classification: Uncertain significance for Cardiovascular phenotype. Last evaluated: 2025-12-04. Review status: criteria provided, single submitter. Criteria: Ambry Variant Classification Scheme 2023. Collection method: clinical testing. Allele origin: germline.
Comment: The c.133_144del12 variant (also known as p.P45_G48del) is located in coding exon 1 of the KCNQ1 gene. This variant results from an in-frame CCGGCGGGCGGC deletion at nucleotide positions 133 to 144. This results in the in-frame deletion of 4 residues from codon 45 to codon 48. This amino acid region ranges from highly conserved to well conserved in available vertebrate species. In addition, the in silico prediction for this variant is inconclusive (Choi Y et al. PLoS ONE. 2012; 7(10):e46688). Based on the available evidence, the clinical significance of this variant remains unclear.

NM_000218.3(KCNQ1):c.133_144del (p.Pro45_Gly48del)

Gene: KCNQ1 (potassium voltage-gated channel subfamily Q member 1; plus strand). Cytogenetic location: 11p15.5.
Variant type: Deletion.
Coding change: c.133_144del on transcript NM_000218.3 (MANE Select); coding-DNA positions 133 to 144, 12 bases deleted (CCGGCGGGCGGC).
Protein change: p.Pro45_Gly48del.
Molecular consequence: inframe deletion. On other transcripts: 5 prime UTR variant (1), inframe indel (1).
Genome position (GRCh38, 1-based): chr11:2,445,231-2,445,242, CCGGCGGGCGGC deleted; deleting any 12 consecutive bases within chr11:2,445,224-2,445,242 gives the same sequence; the c. name uses the placement nearest the transcript's 3' end. VCF-style (leftmost placement, unchanged base first): chr11-2445223-AGGGCGGCCCGGC-A. GRCh37 (hg19) VCF-style: chr11-2466453-AGGGCGGCCCGGC-A.
Other names: c.133_144del, p.Pro45_Gly48del (NM_001406836.1, NM_001406838.1); c.-230_-219del (NM_001406837.1); c.133_144del12 (NM_000218.2).
Identifiers: ClinVar variation 4614414 (VCV004614414.1).